The following is an entry in ClinVar:

NM_000051.4(ATM):c.8339T>A (p.Leu2780His)

Genes: ATM (ATM serine/threonine kinase; plus strand), C11orf65 (chromosome 11 open reading frame 65; minus strand). Cytogenetic location: 11q22.3.
Variant type: single nucleotide variant.
Coding change: c.8339T>A on transcript NM_000051.4 (MANE Select); coding-DNA position 8339, T replaced by A.
Protein change: p.Leu2780His; replaces leucine 2780 with histidine.
Molecular consequence: missense variant. On other transcripts: intron variant (2).
Genome position (GRCh38, 1-based): chr11:108,343,292, T>A. VCF-style: chr11-108343292-T-A. GRCh37 (hg19) VCF-style: chr11-108214019-T-A.
Other names: c.8339T>A, p.Leu2780His (NM_001351834.2); c.641-34221A>T (NM_001330368.2); c.695-8000A>T (NM_001351110.2); short protein forms L2780H.
Identifiers: ClinVar variation 2765235 (VCV002765235.3), dbSNP rs2087825562, ClinGen allele CA382516455.

ClinVar aggregate classification (germline): Uncertain significance (1 of 4 stars; one submission).

Conditions:
Ataxia-telangiectasia syndrome (AT). Also called: LOUIS-BAR SYNDROME; Cerebello-oculocutaneous telangiectasia; Immunodeficiency with ataxia telangiectasia; Ataxia telangiectasia (A-T); Ataxia-telangiectasia, complementation group D; AT, COMPLEMENTATION GROUP C. Identifiers: Orphanet 100, MedGen C0004135, MONDO:0008840, OMIM 208900.

Submission:

Labcorp Genetics (formerly Invitae), Labcorp
Classification: Uncertain significance for Ataxia-telangiectasia syndrome. Last evaluated: 2023-10-05. Review status: criteria provided, single submitter. Criteria: Invitae Variant Classification Sherloc (09022015). Collection method: clinical testing. Allele origin: germline.
Comment: This sequence change replaces leucine, which is neutral and non-polar, with histidine, which is basic and polar, at codon 2780 of the ATM protein (p.Leu2780His). This variant is not present in population databases (gnomAD no frequency). This variant has not been reported in the literature in individuals affected with ATM-related conditions. An algorithm developed to predict the effect of missense changes on protein structure and function (PolyPhen-2) suggests that this variant is likely to be disruptive. In summary, the available evidence is currently insufficient to determine the role of this variant in disease. Therefore, it has been classified as a Variant of Uncertain Significance.